The following is an entry in ClinVar:

NM_000069.3(CACNA1S):c.3520G>A (p.Ala1174Thr)

Gene: CACNA1S (calcium voltage-gated channel subunit alpha1 S; minus strand). Cytogenetic location: 1q32.1.
Variant type: single nucleotide variant.
Coding change: c.3520G>A on transcript NM_000069.3 (MANE Select); coding-DNA position 3520, G replaced by A.
Protein change: p.Ala1174Thr; replaces alanine 1174 with threonine.
Molecular consequence: missense variant.
Genome position (GRCh38, 1-based): chr1:201,059,194, C>T on the plus strand (G>A on the coding strand, the complement: CACNA1S is on the minus strand). VCF-style: chr1-201059194-C-T. GRCh37 (hg19) VCF-style: chr1-201028322-C-T.
Other names: short protein forms A1174T.
Identifiers: ClinVar variation 2954074 (VCV002954074.3), dbSNP rs2464489541, ClinGen allele CA344158075.

ClinVar aggregate classification (germline): Uncertain significance (1 of 4 stars; one submission).

Conditions:
Malignant hyperthermia, susceptibility to, 5 (MHS5). Also called: CACNA1S-Related Malignant Hyperthermia Susceptibility. Identifiers: Orphanet 423, MedGen C1866077, MONDO:0011163, OMIM 601887.
Hypokalemic periodic paralysis, type 1. Also called: Hypokalemic Periodic Paralysis Type 1 (AD); HypoPP. Identifiers: Orphanet 681, MedGen C3714580, MONDO:0042979, OMIM 170400.

Submission:

Labcorp Genetics (formerly Invitae), Labcorp
Classification: Uncertain significance for Hypokalemic periodic paralysis, type 1; Malignant hyperthermia, susceptibility to, 5. Last evaluated: 2022-12-15. Review status: criteria provided, single submitter. Criteria: Invitae Variant Classification Sherloc (09022015). Collection method: clinical testing. Allele origin: germline.
Comment: In summary, the available evidence is currently insufficient to determine the role of this variant in disease. Therefore, it has been classified as a Variant of Uncertain Significance. Advanced modeling of protein sequence and biophysical properties (such as structural, functional, and spatial information, amino acid conservation, physicochemical variation, residue mobility, and thermodynamic stability) performed at Invitae indicates that this missense variant is not expected to disrupt CACNA1S protein function. This variant has not been reported in the literature in individuals affected with CACNA1S-related conditions. This variant is not present in population databases (gnomAD no frequency). This sequence change replaces alanine, which is neutral and non-polar, with threonine, which is neutral and polar, at codon 1174 of the CACNA1S protein (p.Ala1174Thr).